The following is an entry in ClinVar:

ClinVar aggregate classification (germline): Uncertain significance. Review status: criteria provided, multiple submitters, no conflicts (2 of 4 stars). 2 submissions from 2 submitters: Uncertain significance (2). Last evaluated 2025-05-30.

Conditions:
DICER1-related tumor predisposition. Also called: DICER1 syndrome; DICER1-related pleuropulmonary blastoma cancer predisposition syndrome. Identifiers: Orphanet 284343, MedGen C3839822, MONDO:0100216.
Hereditary cancer-predisposing syndrome. Also called: Neoplastic Syndromes, Hereditary; Tumor predisposition; Hereditary Cancer Syndrome; Hereditary neoplastic syndrome. Identifiers: Orphanet 140162, MedGen C0027672, MeSH D009386, MONDO:0015356.

Submissions (2):

Ambry Genetics
Classification: Uncertain significance for Hereditary cancer-predisposing syndrome. Last evaluated: 2025-05-30. Review status: criteria provided, single submitter. Criteria: Ambry Variant Classification Scheme 2023. Collection method: clinical testing. Allele origin: germline.
Comment: The p.D1771E variant (also known as c.5313C>G), located in coding exon 23 of the DICER1 gene, results from a C to G substitution at nucleotide position 5313. The aspartic acid at codon 1771 is replaced by glutamic acid, an amino acid with highly similar properties. This amino acid position is highly conserved in available vertebrate species. In addition, this alteration is predicted to be tolerated by in silico analysis. Based on the available evidence, the clinical significance of this variant remains unclear.

Labcorp Genetics (formerly Invitae), Labcorp
Classification: Uncertain significance for DICER1-related tumor predisposition. Last evaluated: 2024-06-17. Review status: criteria provided, single submitter. Criteria: Invitae Variant Classification Sherloc (09022015). Collection method: clinical testing. Allele origin: germline.
Comment: This sequence change replaces aspartic acid, which is acidic and polar, with glutamic acid, which is acidic and polar, at codon 1771 of the DICER1 protein (p.Asp1771Glu). This variant is not present in population databases (gnomAD no frequency). This variant has not been reported in the literature in individuals affected with DICER1-related conditions. ClinVar contains an entry for this variant (Variation ID: 1746779). Advanced modeling of protein sequence and biophysical properties (such as structural, functional, and spatial information, amino acid conservation, physicochemical variation, residue mobility, and thermodynamic stability) performed at Invitae indicates that this missense variant is expected to disrupt DICER1 protein function with a positive predictive value of 80%. In summary, the available evidence is currently insufficient to determine the role of this variant in disease. Therefore, it has been classified as a Variant of Uncertain Significance.

NM_177438.3(DICER1):c.5313C>G (p.Asp1771Glu)

Gene: DICER1 (dicer 1, ribonuclease III; minus strand). Cytogenetic location: 14q32.13.
Variant type: single nucleotide variant.
Coding change: c.5313C>G on transcript NM_177438.3 (MANE Select); coding-DNA position 5313, C replaced by G.
Protein change: p.Asp1771Glu; replaces aspartic acid 1771 with glutamic acid.
Molecular consequence: missense variant. On other transcripts: non-coding transcript variant (6).
Genome position (GRCh38, 1-based): chr14:95,093,939, G>C on the plus strand (C>G on the coding strand, the complement: DICER1 is on the minus strand). VCF-style: chr14-95093939-G-C. GRCh37 (hg19) VCF-style: chr14-95560276-G-C.
Other names: c.5313C>G, p.Asp1771Glu (NM_001195573.1, NM_001271282.3, NM_001291628.2 and 9 more transcripts); c.5031C>G, p.Asp1677Glu (NM_001395686.1); c.4908C>G, p.Asp1636Glu (NM_001395687.1, NM_001395688.1, NM_001395689.1 and 1 more transcripts); c.4746C>G, p.Asp1582Glu (NM_001395691.1); c.3630C>G, p.Asp1210Glu (NM_001395697.1); short protein forms D1677E, D1636E, D1210E, D1582E, D1771E.
Identifiers: ClinVar variation 1746779 (VCV001746779.8), dbSNP rs2139811538, ClinGen allele CA390864971.